The following is an entry in ClinVar:

ClinVar aggregate classification (germline): Conflicting classifications of pathogenicity. Review status: criteria provided, conflicting classifications (1 of 4 stars). 7 submissions from 6 submitters: Uncertain significance (2); Likely benign (5). Last evaluated 2026-06-01.

Conditions:
Gaucher disease type I (GD1). Also called: GD 1; Type 1 Gaucher Disease; ACID BETA-GLUCOSIDASE DEFICIENCY; Gaucher's disease, type 1; GAUCHER DISEASE, NONCEREBRAL JUVENILE; GBA DEFICIENCY. Identifiers: Orphanet 355, Orphanet 77259, MedGen C1961835, MONDO:0009265, OMIM 230800.
Gaucher disease type II (GD2). Also called: Type 2 Gaucher disease (Acute; Infantile); Acute neuronopathic Gaucher's disease; GAUCHER DISEASE, ACUTE NEURONOPATHIC TYPE; GD II. Identifiers: Orphanet 77260, MedGen C0268250, MONDO:0009266, OMIM 230900.
Gaucher disease type III. Also called: Type 3 Gaucher disease (Subacute; Juvenile); Gaucher Disease, Type 3; Subacute neuronopathic Gaucher's disease; GAUCHER DISEASE, CHRONIC NEURONOPATHIC TYPE; GAUCHER DISEASE, JUVENILE AND ADULT, CEREBRAL; GAUCHER DISEASE, SUBACUTE NEURONOPATHIC TYPE. Identifiers: Orphanet 355, Orphanet 77261, MedGen C0268251, MONDO:0009267, OMIM 231000.
Gaucher disease perinatal lethal. Also called: Gaucher disease collodion type; Gaucher Disease, Perinatal-Lethal Form. Identifiers: Orphanet 85212, MedGen C1842704, MONDO:0011945, OMIM 608013.
Gaucher disease-ophthalmoplegia-cardiovascular calcification syndrome. Also called: GAUCHER DISEASE, TYPE IIIC. Identifiers: Orphanet 2072, MedGen C1856476, MONDO:0009268, OMIM 231005.

Allele frequency attached by ClinVar (database versions not stated): gnomAD 0.00004; ExAC 0.00007; gnomAD exomes 0.00007 and 0.00009; TOPMed 0.00009; 1000 Genomes Project 0.00020; 1000 Genomes Project 30x 0.00031.
gnomAD v4.1: 104 of 1,613,846 alleles (0.0064%); highest among the groups gnomAD compares: Middle Eastern, 0.13%; no homozygotes.

Submissions (7):

CeGaT Center for Human Genetics Tuebingen
Classification: Likely benign. Last evaluated: 2026-06-01. Review status: criteria provided, single submitter. Criteria: CeGaT Center For Human Genetics Tuebingen Variant Classification Criteria Version 2. Collection method: clinical testing. Allele origin: germline. Affected: yes. Observed: 1 variant allele.
Comment: GBA1: BP4, BP7

Labcorp Genetics (formerly Invitae), Labcorp
Classification: Likely benign. Last evaluated: 2026-01-26. Review status: criteria provided, single submitter. Criteria: Invitae Variant Classification Sherloc (09022015). Collection method: clinical testing. Allele origin: germline.

Mayo Clinic Laboratories, Mayo Clinic
Classification: Likely benign. Last evaluated: 2025-03-26. Review status: criteria provided, single submitter. Criteria: ACMG Guidelines, 2015. Collection method: clinical testing. Allele origin: germline. Observed: 1 variant allele.
Comment: BP4, BP7

Ambry Genetics
Classification: Likely benign. Last evaluated: 2024-11-23. Review status: criteria provided, single submitter. Criteria: Ambry Variant Classification Scheme 2023. Collection method: clinical testing. Allele origin: germline.

3billion
Classification: Likely benign for Gaucher disease perinatal lethal; Gaucher disease type III; Gaucher disease type I; Gaucher disease type II; Gaucher disease-ophthalmoplegia-cardiovascular calcification syndrome. Last evaluated: 2024-09-20. Review status: criteria provided, single submitter. Criteria: ACMG Guidelines, 2015. Collection method: clinical testing. Allele origin: germline. Affected: no.
Comment: The homozygous variant was found in patients diagnosed with another variant in a different gene, with no symptoms related to the gene containing the homozygous variant.

Genome-Nilou Lab
Classification: Uncertain significance for Gaucher disease type I. Last evaluated: 2021-07-14. Review status: criteria provided, single submitter. Criteria: ACMG Guidelines, 2015. Collection method: clinical testing. Allele origin: germline. Affected: no.

Genome-Nilou Lab
Classification: Uncertain significance for Gaucher disease type II. Last evaluated: 2021-07-14. Review status: criteria provided, single submitter. Criteria: ACMG Guidelines, 2015. Collection method: clinical testing. Allele origin: germline. Affected: no.

Literature cited by the submitters: PubMed 20947659 (cited by Mayo Clinic Laboratories, Mayo Clinic); PubMed 37027993 (cited by Mayo Clinic Laboratories, Mayo Clinic).

NM_000157.4(GBA1):c.1455A>G (p.Ala485=)

Genes: GBA1 (glucosylceramidase beta 1; minus strand), LOC106627981 (GBA recombination region; plus strand). Cytogenetic location: 1q22.
Variant type: single nucleotide variant.
Coding change: c.1455A>G on transcript NM_000157.4 (MANE Select); coding-DNA position 1455, A replaced by G.
Protein change: p.Ala485=; no amino-acid change (alanine 485 retained).
Molecular consequence: synonymous variant.
Genome position (GRCh38, 1-based): chr1:155,235,245, T>C on the plus strand (A>G on the coding strand, the complement: GBA1 is on the minus strand). VCF-style: chr1-155235245-T-C. GRCh37 (hg19) VCF-style: chr1-155205036-T-C.
Other names: p.Ala485=; c.1455A>G, p.Ala485= (NM_001005741.3, NM_001005742.3); c.1194A>G, p.Ala398= (NM_001171811.2); c.1308A>G, p.Ala436= (NM_001171812.2); c.1455A>G (NM_001005742.2).
Identifiers: ClinVar variation 1199309 (VCV001199309.10), dbSNP rs199928507, ClinGen allele CA1141524.
Genomic context (GRCh38, chr1:155,235,245, plus strand): 5'-TTGCCCTCACCGGTTTAGCACGACCACAACAGCAGAGCCATCGGGATGCATCAGTGCCAC[T>C]GCGTCCAGGTCGTTCTTCTGACTGGCAACCAGCCCCACTCTCTGGGAGCCCTCAGGAATG-3'
Protein context (NP_000148.2, residues 475-495): LVASQKNDLD[Ala485=]VALMHPDGSA